The following is an entry in ClinVar:

ClinVar aggregate classification (germline): Uncertain significance (1 of 4 stars; one submission).

Conditions:
Familial thoracic aortic aneurysm and aortic dissection (TAAD). Also called: Thoracic aortic aneurysms and dissections. Identifiers: Orphanet 91387, MedGen C4707243, MONDO:0019625.

Submission:

Labcorp Genetics (formerly Invitae), Labcorp
Classification: Uncertain significance for Familial thoracic aortic aneurysm and aortic dissection. Last evaluated: 2018-02-25. Review status: criteria provided, single submitter. Criteria: Invitae Variant Classification Sherloc (09022015). Collection method: clinical testing. Allele origin: germline.
Comment: In summary, the available evidence is currently insufficient to determine the role of this variant in disease. Therefore, it has been classified as a Variant of Uncertain Significance. Algorithms developed to predict the effect of missense changes on protein structure and function do not agree on the potential impact of this missense change (SIFT: "Deleterious"; PolyPhen-2: "Probably Damaging"; Align-GVGD: "Class C0"). This variant has not been reported in the literature in individuals with TGFBR1-related disease. This variant is not present in population databases (ExAC no frequency). This sequence change replaces tryptophan with leucine at codon 242 of the TGFBR1 protein (p.Trp242Leu). The tryptophan residue is highly conserved and there is a small physicochemical difference between tryptophan and leucine.

NM_004612.4(TGFBR1):c.725G>T (p.Trp242Leu)

Gene: TGFBR1 (transforming growth factor beta receptor 1; plus strand). Cytogenetic location: 9q22.33.
Variant type: single nucleotide variant.
Coding change: c.725G>T on transcript NM_004612.4 (MANE Select); coding-DNA position 725, G replaced by T.
Protein change: p.Trp242Leu; replaces tryptophan 242 with leucine.
Molecular consequence: missense variant.
Genome position (GRCh38, 1-based): chr9:99,138,009, G>T. VCF-style: chr9-99138009-G-T. GRCh37 (hg19) VCF-style: chr9-101900291-G-T.
Other names: c.494G>T, p.Trp165Leu (NM_001130916.3); c.737G>T, p.Trp246Leu (NM_001306210.2); short protein forms W242L, W165L, W246L.
Identifiers: ClinVar variation 578373 (VCV000578373.9), dbSNP rs1564161816, ClinGen allele CA374229810.